The following is an entry in ClinVar:

ClinVar aggregate classification (germline): Uncertain significance (1 of 4 stars; one submission).

Conditions:
Neuropathy, hereditary sensory and autonomic, type 2A (HSAN2A). Also called: MORVAN DISEASE; NEUROPATHY, CONGENITAL SENSORY; NEUROPATHY, HEREDITARY SENSORY RADICULAR, AUTOSOMAL RECESSIVE; NEUROPATHY, HEREDITARY SENSORY, TYPE IIA; NEUROPATHY, PROGRESSIVE SENSORY, OF CHILDREN; WNK1-Related HSAN2 (HSAN2A). Identifiers: Orphanet 970, MedGen C2752089, MONDO:0024309, OMIM 201300.
Pseudohypoaldosteronism type 2C (PHA2C). Also called: Pseudohypoaldosteronism Type IIC. Identifiers: Orphanet 757, Orphanet 88940, MedGen C1840391, MONDO:0013778, OMIM 614492.

gnomAD v4.1: 2 of 1,607,350 alleles (0.00012%); highest among the groups gnomAD compares: Non-Finnish European, 0.00017%; no homozygotes.

Submission:

Labcorp Genetics (formerly Invitae), Labcorp
Classification: Uncertain significance for Hereditary sensory and autonomic neuropathy type IIA; Pseudohypoaldosteronism type 2C. Last evaluated: 2019-05-18. Review status: criteria provided, single submitter. Criteria: Invitae Variant Classification Sherloc (09022015). Collection method: clinical testing. Allele origin: germline.
Comment: This sequence change replaces histidine with arginine at codon 120 of the WNK1 protein (p.His120Arg). The histidine residue is moderately conserved and there is a small physicochemical difference between histidine and arginine. This variant is not present in population databases (ExAC no frequency). This variant has not been reported in the literature in individuals with WNK1-related conditions. Algorithms developed to predict the effect of missense changes on protein structure and function are either unavailable or do not agree on the potential impact of this missense change (SIFT: "Tolerated"; PolyPhen-2: "Not Available"; Align-GVGD: "Class C0"). In summary, the available evidence is currently insufficient to determine the role of this variant in disease. Therefore, it has been classified as a Variant of Uncertain Significance.

NM_018979.4(WNK1):c.359A>G (p.His120Arg)

Gene: WNK1 (WNK lysine deficient protein kinase 1; plus strand). Cytogenetic location: 12p13.33.
Variant type: single nucleotide variant.
Coding change: c.359A>G on transcript NM_018979.4 (MANE Select); coding-DNA position 359, A replaced by G.
Protein change: p.His120Arg; replaces histidine 120 with arginine.
Molecular consequence: missense variant.
Genome position (GRCh38, 1-based): chr12:753,924, A>G. VCF-style: chr12-753924-A-G. GRCh37 (hg19) VCF-style: chr12-863090-A-G.
Other names: c.359A>G, p.His120Arg (NM_001184985.2, NM_014823.3, NM_213655.5); short protein forms H120R.
Identifiers: ClinVar variation 944851 (VCV000944851.1), dbSNP rs773816207, ClinGen allele CA383305913.